The following is an entry in ClinVar:

ClinVar aggregate classification (germline): Uncertain significance (1 of 4 stars; one submission).

Conditions:
Myosin storage myopathy (CMYO7A). Also called: MYOPATHY, HYALINE BODY, AUTOSOMAL DOMINANT; Scapuloperoneal myopathy, MYH7-related; SCAPULOPERONEAL MUSCULAR DYSTROPHY; SCAPULOPERONEAL SYNDROME, MYOPATHIC TYPE; MYOPATHY WITH LYSIS OF TYPE I MYOFIBRILS; MYH7-related late-onset scapuloperoneal muscular dystrophy. Identifiers: Orphanet 437572, Orphanet 636965, MedGen C1842160, MONDO:0008409, OMIM 608358.

Submission:

3billion
Classification: Uncertain significance for Myosin storage myopathy. Last evaluated: 2023-07-20. Review status: criteria provided, single submitter. Criteria: ACMG Guidelines, 2015. Collection method: clinical testing. Allele origin: germline. Affected: yes.
Comment: The variant is not observed in the gnomAD v2.1.1 dataset. Predicted Consequence/Location: The variant is located in a mutational hot spot and/or well-established functional domain in which established pathogenic variants have been reported (PMID: 29300372). In silico tool predictions suggest damaging effect of the variant on gene or gene product (REVEL: 0.30; 3Cnet: 0.76). Therefore, this variant is classified as VUS according to the recommendation of ACMG/AMP guideline.

Literature cited by the submitters: PubMed 29300372.

NM_000257.4(MYH7):c.2372A>G (p.Gln791Arg)

Genes: MYH7 (myosin heavy chain 7; minus strand), LOC126861898 (BRD4-independent group 4 enhancer GRCh37_chr14:23893609-23894808; plus strand). Cytogenetic location: 14q11.2.
Variant type: single nucleotide variant.
Coding change: c.2372A>G on transcript NM_000257.4 (MANE Select); coding-DNA position 2372, A replaced by G.
Protein change: p.Gln791Arg; replaces glutamine 791 with arginine.
Molecular consequence: missense variant.
Genome position (GRCh38, 1-based): chr14:23,425,333, T>C on the plus strand (A>G on the coding strand, the complement: MYH7 is on the minus strand). VCF-style: chr14-23425333-T-C. GRCh37 (hg19) VCF-style: chr14-23894542-T-C.
Other names: c.2372A>G, p.Gln791Arg (NM_001407004.1); short protein forms Q791R.
Identifiers: ClinVar variation 3776273 (VCV003776273.1).